The following is an entry in ClinVar:

ClinVar aggregate classification (germline): Uncertain significance (1 of 4 stars; one submission).

Allele frequency attached by ClinVar (database versions not stated): ExAC 0.00001; gnomAD exomes 0.00001; TOPMed 0.00001.
gnomAD v4.1: 9 of 1,613,784 alleles (0.00056%); highest among the groups gnomAD compares: Middle Eastern, 0.017%; no homozygotes.

Submission:

Labcorp Genetics (formerly Invitae), Labcorp
Classification: Uncertain significance. Last evaluated: 2023-01-30. Review status: criteria provided, single submitter. Criteria: Invitae Variant Classification Sherloc (09022015). Collection method: clinical testing. Allele origin: germline.
Comment: This sequence change replaces glycine, which is neutral and non-polar, with glutamic acid, which is acidic and polar, at codon 311 of the ANLN protein (p.Gly311Glu). This variant is present in population databases (rs756975220, gnomAD 0.004%). This variant has not been reported in the literature in individuals affected with ANLN-related conditions. Advanced modeling of protein sequence and biophysical properties (such as structural, functional, and spatial information, amino acid conservation, physicochemical variation, residue mobility, and thermodynamic stability) performed at Invitae indicates that this missense variant is not expected to disrupt ANLN protein function. In summary, the available evidence is currently insufficient to determine the role of this variant in disease. Therefore, it has been classified as a Variant of Uncertain Significance.

NM_018685.5(ANLN):c.932G>A (p.Gly311Glu)

Gene: ANLN (anillin, actin binding protein; plus strand). Cytogenetic location: 7p14.2.
Variant type: single nucleotide variant.
Coding change: c.932G>A on transcript NM_018685.5 (MANE Select); coding-DNA position 932, G replaced by A.
Protein change: p.Gly311Glu; replaces glycine 311 with glutamic acid.
Molecular consequence: missense variant.
Genome position (GRCh38, 1-based): chr7:36,407,792, G>A. VCF-style: chr7-36407792-G-A. GRCh37 (hg19) VCF-style: chr7-36447401-G-A.
Other names: c.932G>A, p.Gly311Glu (NM_001284301.3, NM_001284302.3); short protein forms G311E.
Identifiers: ClinVar variation 1910144 (VCV001910144.5), dbSNP rs756975220, ClinGen allele CA4219464.
Genomic context (GRCh38, chr7:36,407,792, plus strand): 5'-AGAAAGCTACTTCTCCAGTGAAATCTACTACATCTATCACTGATGCTAAAAGTTGTGAGG[G>A]ACAAAATCCTGAGCTACTTCCAAAAACTCCTATTAGTCCTCTGAAAACGGGGGTATCGAA-3'
Protein context (NP_061155.2, residues 301-321): TSITDAKSCE[Gly311Glu]QNPELLPKTP